The following is an entry in ClinVar:

NM_001378454.1(ALMS1):c.2359G>A (p.Gly787Ser)

Gene: ALMS1 (ALMS1 centrosome and basal body associated protein; plus strand). Cytogenetic location: 2p13.1.
Variant type: single nucleotide variant.
Coding change: c.2359G>A on transcript NM_001378454.1 (MANE Select); coding-DNA position 2359, G replaced by A.
Protein change: p.Gly787Ser; replaces glycine 787 with serine.
Molecular consequence: missense variant.
Genome position (GRCh38, 1-based): chr2:73,448,886, G>A. VCF-style: chr2-73448886-G-A. GRCh37 (hg19) VCF-style: chr2-73676013-G-A.
Other names: c.2362G>A, p.Gly788Ser (NM_015120.4); short protein forms G788S, G787S.
Identifiers: ClinVar variation 2078846 (VCV002078846.4), dbSNP rs2103774913, ClinGen allele CA347269805.

ClinVar aggregate classification (germline): Uncertain significance (1 of 4 stars; one submission).

Conditions:
Alstrom syndrome (ALMS). Identifiers: Orphanet 64, MedGen C0268425, MONDO:0008763, OMIM 203800.

gnomAD v4.1: 1 of 1,613,780 alleles (0.000062%); highest among the groups gnomAD compares: Admixed American, 0.0017%; no homozygotes.

Submission:

Labcorp Genetics (formerly Invitae), Labcorp
Classification: Uncertain significance for Alstrom syndrome. Last evaluated: 2022-05-18. Review status: criteria provided, single submitter. Criteria: Invitae Variant Classification Sherloc (09022015). Collection method: clinical testing. Allele origin: germline.
Comment: This variant has not been reported in the literature in individuals affected with ALMS1-related conditions. In summary, the available evidence is currently insufficient to determine the role of this variant in disease. Therefore, it has been classified as a Variant of Uncertain Significance. Experimental studies and prediction algorithms are not available or were not evaluated, and the functional significance of this variant is currently unknown. This variant is not present in population databases (gnomAD no frequency). This sequence change replaces glycine, which is neutral and non-polar, with serine, which is neutral and polar, at codon 788 of the ALMS1 protein (p.Gly788Ser).